The following is an entry in ClinVar:

NM_144773.4(PROKR2):c.1004C>T (p.Thr335Met)

Gene: PROKR2 (prokineticin receptor 2; minus strand). Cytogenetic location: 20p12.3.
Variant type: single nucleotide variant.
Coding change: c.1004C>T on transcript NM_144773.4 (MANE Select); coding-DNA position 1004, C replaced by T.
Protein change: p.Thr335Met; replaces threonine 335 with methionine.
Molecular consequence: missense variant.
Genome position (GRCh38, 1-based): chr20:5,302,191, G>A on the plus strand (C>T on the coding strand, the complement: PROKR2 is on the minus strand). VCF-style: chr20-5302191-G-A. GRCh37 (hg19) VCF-style: chr20-5282837-G-A.
Other names: c.1004C>T (NM_144773.2); short protein forms T335M.
Identifiers: ClinVar variation 1954618 (VCV001954618.7), dbSNP rs755562438, ClinGen allele CA9754224.

ClinVar aggregate classification (germline): Uncertain significance. Review status: criteria provided, multiple submitters, no conflicts (2 of 4 stars). 3 submissions from 3 submitters: Uncertain significance (3). Last evaluated 2025-03-06.

Conditions:
Hypogonadotropic hypogonadism 3 with or without anosmia (HH3). Also called: PROKR2-Related GnRH Deficiency (Kallmann Syndrome 3); HYPOGONADOTROPIC HYPOGONADISM 3 WITH ANOSMIA. Identifiers: Orphanet 478, MedGen C3550478, MONDO:0009482, OMIM 244200.

Allele frequency attached by ClinVar (database versions not stated): gnomAD 0.00002; TOPMed 0.00005.
gnomAD v4.1: 33 of 1,614,076 alleles (0.002%); highest among the groups gnomAD compares: African/African-American, 0.0067%; no homozygotes.

Submissions (3):

GeneDx
Classification: Uncertain significance. Last evaluated: 2025-03-06. Review status: criteria provided, single submitter. Criteria: GeneDx Variant Classification Process June 2021. Collection method: clinical testing. Allele origin: germline. Affected: yes.
Comment: Observed in at least one heterozygous clinically unaffected control subject in published literature (PMID: 17054399); In silico analysis indicates that this missense variant does not alter protein structure/function; This variant is associated with the following publications: (PMID: 37493574, 31277073, 17054399)

Fulgent Genetics
Classification: Uncertain significance for Hypogonadotropic hypogonadism 3 with or without anosmia. Last evaluated: 2024-02-27. Review status: criteria provided, single submitter. Criteria: ACMG Guidelines, 2015. Collection method: clinical testing. Allele origin: germline.

Labcorp Genetics (formerly Invitae), Labcorp
Classification: Uncertain significance. Last evaluated: 2022-10-24. Review status: criteria provided, single submitter. Criteria: Invitae Variant Classification Sherloc (09022015). Collection method: clinical testing. Allele origin: germline.
Comment: This variant has not been reported in the literature in individuals affected with PROKR2-related conditions. In summary, the available evidence is currently insufficient to determine the role of this variant in disease. Therefore, it has been classified as a Variant of Uncertain Significance. Advanced modeling of protein sequence and biophysical properties (such as structural, functional, and spatial information, amino acid conservation, physicochemical variation, residue mobility, and thermodynamic stability) performed at Invitae indicates that this missense variant is not expected to disrupt PROKR2 protein function. This variant is present in population databases (rs755562438, gnomAD 0.003%). This sequence change replaces threonine, which is neutral and polar, with methionine, which is neutral and non-polar, at codon 335 of the PROKR2 protein (p.Thr335Met).